The following is an entry in ClinVar:

ClinVar aggregate classification (germline): Uncertain significance. Review status: criteria provided, multiple submitters, no conflicts (2 of 4 stars). 2 submissions from 2 submitters: Uncertain significance (2). Last evaluated 2024-08-31.

Allele frequency attached by ClinVar (database versions not stated): TOPMed below 0.00001; ExAC 0.00001; gnomAD exomes 0.00001.
gnomAD v4.1: 4 of 1,605,344 alleles (0.00025%); highest among the groups gnomAD compares: Admixed American, 0.0017%; no homozygotes.

Submissions (2):

Labcorp Genetics (formerly Invitae), Labcorp
Classification: Uncertain significance. Last evaluated: 2024-08-31. Review status: criteria provided, single submitter. Criteria: Invitae Variant Classification Sherloc (09022015). Collection method: clinical testing. Allele origin: germline.
Comment: This sequence change replaces threonine, which is neutral and polar, with alanine, which is neutral and non-polar, at codon 790 of the ACTN1 protein (p.Thr790Ala). This variant is present in population databases (rs765635179, gnomAD 0.003%). This variant has not been reported in the literature in individuals affected with ACTN1-related conditions. Invitae Evidence Modeling of protein sequence and biophysical properties (such as structural, functional, and spatial information, amino acid conservation, physicochemical variation, residue mobility, and thermodynamic stability) indicates that this missense variant is not expected to disrupt ACTN1 protein function with a negative predictive value of 80%. In summary, the available evidence is currently insufficient to determine the role of this variant in disease. Therefore, it has been classified as a Variant of Uncertain Significance.

Blueprint Genetics
Classification: Uncertain significance. Last evaluated: 2023-10-19. Review status: criteria provided, single submitter. Criteria: ACMG Guidelines, 2015. Collection method: clinical testing. Allele origin: germline.

NM_001130004.2(ACTN1):c.2368A>G (p.Thr790Ala)

Gene: ACTN1 (actinin alpha 1; minus strand). Cytogenetic location: 14q24.1.
Variant type: single nucleotide variant.
Coding change: c.2368A>G on transcript NM_001130004.2 (MANE Select); coding-DNA position 2368, A replaced by G.
Protein change: p.Thr790Ala; replaces threonine 790 with alanine.
Molecular consequence: missense variant. On other transcripts: intron variant (16).
Genome position (GRCh38, 1-based): chr14:68,878,517, T>C on the plus strand (A>G on the coding strand, the complement: ACTN1 is on the minus strand). VCF-style: chr14-68878517-T-C. GRCh37 (hg19) VCF-style: chr14-69345234-T-C.
Other names: c.2287A>G, p.Thr763Ala (NM_001130005.2, NM_001424014.1); c.2311A>G, p.Thr771Ala (NM_001411035.1); c.2224A>G, p.Thr742Ala (NM_001424022.1); c.2185A>G, p.Thr729Ala (NM_001424024.1); c.2104A>G, p.Thr702Ala (NM_001424027.1); c.2092A>G, p.Thr698Ala (NM_001424028.1); c.2098-1277A>G (NM_001424029.1); c.2178+472A>G (NM_001424025.1, NM_001424019.1); and 11 more; short protein forms T790A, T702A, T729A, T742A, T763A, T698A, T771A.
Identifiers: ClinVar variation 2974003 (VCV002974003.4), dbSNP rs765635179, ClinGen allele CA7242018.